The following is an entry in ClinVar:

NM_021076.4(NEFH):c.1656_1697del (p.Ala554_Pro567del)

Gene: NEFH (neurofilament heavy chain; plus strand). Cytogenetic location: 22q12.2.
Variant type: Deletion.
Coding change: c.1656_1697del on transcript NM_021076.4 (MANE Select); coding-DNA positions 1656 to 1697, 42 bases deleted.
Protein change: p.Ala554_Pro567del.
Molecular consequence: inframe deletion.
Genome position (GRCh38, 1-based): chr22:29,489,296-29,489,337, 42 bases deleted; deleting any 42 consecutive bases within chr22:29,489,286-29,489,337 gives the same sequence; the c. name uses the placement nearest the transcript's 3' end. GRCh37 (hg19): chr22:29,885,285-29,885,326.
Other names: c.1656_1697del42 (NM_021076.4).
Identifiers: ClinVar variation 1516152 (VCV001516152.10), dbSNP rs773780196, ClinGen allele CA10174248.

ClinVar aggregate classification (germline): Conflicting classifications of pathogenicity. Review status: criteria provided, conflicting classifications (1 of 4 stars). 4 submissions from 4 submitters: Uncertain significance (1); Likely benign (3). Last evaluated 2026-03-23.

Conditions:
Inborn genetic diseases. Identifiers: MedGen C0950123, MeSH D030342.

Submissions (4):

Women's Health and Genetics/Laboratory Corporation of America, LabCorp
Classification: Likely benign. Last evaluated: 2026-03-23. Review status: criteria provided, single submitter. Criteria: LabCorp Variant Classification Summary - May 2015. Collection method: clinical testing. Allele origin: germline.

Blueprint Genetics
Classification: Likely benign. Last evaluated: 2024-11-15. Review status: criteria provided, single submitter. Criteria: ACMG Guidelines, 2015. Collection method: clinical testing. Allele origin: germline.

Labcorp Genetics (formerly Invitae), Labcorp
Classification: Uncertain significance. Last evaluated: 2023-11-22. Review status: criteria provided, single submitter. Criteria: Invitae Variant Classification Sherloc (09022015). Collection method: clinical testing. Allele origin: germline.
Comment: This variant, c.1656_1697del, results in the deletion of 14 amino acid(s) of the NEFH protein (p.Ala554_Pro567del), but otherwise preserves the integrity of the reading frame. The frequency data for this variant in the population databases is considered unreliable, as metrics indicate poor data quality at this position in the gnomAD database. This variant has not been reported in the literature in individuals affected with NEFH-related conditions. ClinVar contains an entry for this variant (Variation ID: 1516152). Experimental studies and prediction algorithms are not available or were not evaluated, and the functional significance of this variant is currently unknown. In summary, the available evidence is currently insufficient to determine the role of this variant in disease. Therefore, it has been classified as a Variant of Uncertain Significance.

Ambry Genetics
Classification: Likely benign for Inborn genetic diseases. Last evaluated: 2021-01-05. Review status: criteria provided, single submitter. Criteria: Ambry Variant Classification Scheme 2023. Collection method: clinical testing. Allele origin: germline.